The following is an entry in ClinVar:

ClinVar aggregate classification (germline): Uncertain significance (1 of 4 stars; one submission).

Conditions:
Neuropathy, hereditary sensory and autonomic, type 2A (HSAN2A). Also called: ACROOSTEOLYSIS, GIACCAI TYPE; ACROOSTEOLYSIS, NEUROGENIC; WNK1-Related HSAN2 (HSAN2A); NEUROPATHY, HEREDITARY SENSORY RADICULAR, AUTOSOMAL RECESSIVE; MORVAN DISEASE; NEUROPATHY, CONGENITAL SENSORY. Identifiers: Orphanet 970, MedGen C2752089, MONDO:0024309, OMIM 201300.
Generalized epilepsy with febrile seizures plus, type 7 (GEFSP7). Also called: GEFS+, TYPE 7. Identifiers: Orphanet 36387, MedGen C2751778, MONDO:0013470, OMIM 613863.

gnomAD v4.1: 2 of 1,613,166 alleles (0.00012%); highest among the groups gnomAD compares: Non-Finnish European, 0.00017%; no homozygotes.

Submission:

Labcorp Genetics (formerly Invitae), Labcorp
Classification: Uncertain significance for Neuropathy, hereditary sensory and autonomic, type 2A; Generalized epilepsy with febrile seizures plus, type 7. Last evaluated: 2025-03-03. Review status: criteria provided, single submitter. Criteria: Invitae Variant Classification Sherloc (09022015). Collection method: clinical testing. Allele origin: germline.
Comment: This sequence change replaces proline, which is neutral and non-polar, with leucine, which is neutral and non-polar, at codon 60 of the SCN9A protein (p.Pro60Leu). This variant is not present in population databases (gnomAD no frequency). This variant has not been reported in the literature in individuals affected with SCN9A-related conditions. Invitae Evidence Modeling of protein sequence and biophysical properties (such as structural, functional, and spatial information, amino acid conservation, physicochemical variation, residue mobility, and thermodynamic stability) has been performed for this missense variant. However, the output from this modeling did not meet the statistical confidence thresholds required to predict the impact of this variant on SCN9A protein function. In summary, the available evidence is currently insufficient to determine the role of this variant in disease. Therefore, it has been classified as a Variant of Uncertain Significance.

NM_001365536.1(SCN9A):c.179C>T (p.Pro60Leu)

Gene: SCN9A (sodium voltage-gated channel alpha subunit 9; minus strand). Cytogenetic location: 2q24.3.
Variant type: single nucleotide variant.
Coding change: c.179C>T on transcript NM_001365536.1 (MANE Select); coding-DNA position 179, C replaced by T.
Protein change: p.Pro60Leu; replaces proline 60 with leucine.
Molecular consequence: missense variant.
Genome position (GRCh38, 1-based): chr2:166,311,578, G>A on the plus strand (C>T on the coding strand, the complement: SCN9A is on the minus strand). VCF-style: chr2-166311578-G-A. GRCh37 (hg19) VCF-style: chr2-167168088-G-A.
Other names: c.179C>T, p.Pro60Leu (NM_002977.4); short protein forms P60L.
Identifiers: ClinVar variation 4782761 (VCV004782761.1).